The following is an entry in ClinVar:

NM_001267550.2(TTN):c.11312-5239T>A

Gene: TTN (titin; minus strand). Cytogenetic location: 2q31.2.
Variant type: single nucleotide variant.
Coding change: c.11312-5239T>A on transcript NM_001267550.2 (MANE Select); 5239 bases into the intron before coding-DNA position 11312, T replaced by A.
Molecular consequence: intron variant. On other transcripts: synonymous variant (1).
Genome position (GRCh38, 1-based): chr2:178,747,160, A>T on the plus strand (T>A on the coding strand, the complement: TTN is on the minus strand). VCF-style: chr2-178747160-A-T. GRCh37 (hg19) VCF-style: chr2-179611887-A-T.
Other names: c.15240T>A, p.Thr5080= (NM_133379.5); c.10223-5239T>A (NM_003319.4); c.10799-5239T>A (NM_133437.4); c.10598-5239T>A (NM_133432.3); c.10360+5964T>A (NM_133378.4); c.10361-5239T>A (NM_001256850.1).
Identifiers: ClinVar variation 4533718 (VCV004533718.6).

ClinVar aggregate classification (germline): Likely benign (1 of 4 stars; one submission).

Submission:

CeGaT Center for Human Genetics Tuebingen
Classification: Likely benign. Last evaluated: 2026-03-01. Review status: criteria provided, single submitter. Criteria: CeGaT Center For Human Genetics Tuebingen Variant Classification Criteria Version 2. Collection method: clinical testing. Allele origin: germline. Affected: yes. Observed: 2 variant alleles.
Comment: TTN: BP4, BP7